The following is an entry in ClinVar:

NM_020999.4(NEUROG3):c.469G>A (p.Gly157Arg)

Gene: NEUROG3 (neurogenin 3; minus strand). Cytogenetic location: 10q22.1.
Variant type: single nucleotide variant.
Coding change: c.469G>A on transcript NM_020999.4 (MANE Select); coding-DNA position 469, G replaced by A.
Protein change: p.Gly157Arg; replaces glycine 157 with arginine.
Molecular consequence: missense variant.
Genome position (GRCh38, 1-based): chr10:69,572,575, C>T on the plus strand (G>A on the coding strand, the complement: NEUROG3 is on the minus strand). VCF-style: chr10-69572575-C-T. GRCh37 (hg19) VCF-style: chr10-71332331-C-T.
Other names: short protein forms G157R.
Identifiers: ClinVar variation 1513974 (VCV001513974.6), dbSNP rs767917650, ClinGen allele CA376921844.

ClinVar aggregate classification (germline): Uncertain significance (1 of 4 stars; one submission).

Allele frequency attached by ClinVar (database versions not stated): TOPMed below 0.00001; gnomAD 0.00001.

Submission:

Labcorp Genetics (formerly Invitae), Labcorp
Classification: Uncertain significance. Last evaluated: 2022-07-05. Review status: criteria provided, single submitter. Criteria: Invitae Variant Classification Sherloc (09022015). Collection method: clinical testing. Allele origin: germline.
Comment: In summary, the available evidence is currently insufficient to determine the role of this variant in disease. Therefore, it has been classified as a Variant of Uncertain Significance. Algorithms developed to predict the effect of sequence changes on RNA splicing suggest that this variant may create or strengthen a splice site. Algorithms developed to predict the effect of missense changes on protein structure and function (SIFT, PolyPhen-2, Align-GVGD) all suggest that this variant is likely to be tolerated. ClinVar contains an entry for this variant (Variation ID: 1513974). This variant has not been reported in the literature in individuals affected with NEUROG3-related conditions. This variant is not present in population databases (gnomAD no frequency). This sequence change replaces glycine, which is neutral and non-polar, with arginine, which is basic and polar, at codon 157 of the NEUROG3 protein (p.Gly157Arg).